The following is an entry in ClinVar:

NM_001035.3(RYR2):c.11729T>G (p.Ile3910Ser)

Gene: RYR2 (ryanodine receptor 2; plus strand). Cytogenetic location: 1q43.
Variant type: single nucleotide variant.
Coding change: c.11729T>G on transcript NM_001035.3 (MANE Select); coding-DNA position 11729, T replaced by G.
Protein change: p.Ile3910Ser; replaces isoleucine 3910 with serine.
Molecular consequence: missense variant.
Genome position (GRCh38, 1-based): chr1:237,773,602, T>G. VCF-style: chr1-237773602-T-G. GRCh37 (hg19) VCF-style: chr1-237936902-T-G.
Other names: short protein forms I3910S.
Identifiers: ClinVar variation 1318756 (VCV001318756.2), dbSNP rs1299306880, ClinGen allele CA345407902.
Genomic context (GRCh38, chr1:237,773,602, plus strand): 5'-GGTATTACTCTGGGAAAGATGTTATTGATGAACAAGGACAACGGAATTTCTCCAAAGCTA[T>G]CCAAGTGGCAAAACAAGTCTTTAACACTCTTACAGAGTATATTCAGGTAAACATTTAAAC-3'
Protein context (NP_001026.2, residues 3900-3920): EQGQRNFSKA[Ile3910Ser]QVAKQVFNTL

ClinVar aggregate classification (germline): Uncertain significance (1 of 4 stars; one submission).

Submission:

GeneDx
Classification: Uncertain significance. Last evaluated: 2019-10-16. Review status: criteria provided, single submitter. Criteria: GeneDx Variant Classification Process June 2021. Collection method: clinical testing. Allele origin: germline. Affected: yes.
Comment: Not observed in large population cohorts (Lek et al., 2016); In silico analysis, which includes protein predictors and evolutionary conservation, supports a deleterious effect; Has not been previously published as pathogenic or benign to our knowledge